The following is an entry in ClinVar:

NM_000426.4(LAMA2):c.8054G>A (p.Trp2685Ter)

Gene: LAMA2 (laminin subunit alpha 2; plus strand). Cytogenetic location: 6q22.33.
Variant type: single nucleotide variant.
Coding change: c.8054G>A on transcript NM_000426.4 (MANE Select); coding-DNA position 8054, G replaced by A.
Protein change: p.Trp2685Ter; replaces tryptophan 2685 with a stop codon.
Molecular consequence: nonsense.
Genome position (GRCh38, 1-based): chr6:129,492,056, G>A. VCF-style: chr6-129492056-G-A. GRCh37 (hg19) VCF-style: chr6-129813201-G-A.
Other names: c.8042G>A, p.Trp2681Ter (NM_001079823.2); short protein forms W2681*, W2685*.
Identifiers: ClinVar variation 5012930 (VCV005012930.1).

ClinVar aggregate classification (germline): Pathogenic (1 of 4 stars; one submission).

Conditions:
LAMA2-related muscular dystrophy (LAMA2-RD). Also called: Laminin alpha 2-related dystrophy. Identifiers: MedGen C5679788, MONDO:0100228.

Submission:

Myriad Genetics, Inc.
Classification: Pathogenic for LAMA2-related muscular dystrophy. Last evaluated: 2024-04-19. Review status: criteria provided, single submitter. Criteria: Myriad Autosomal Dominant, Autosomal Recessive and X-Linked Classification Criteria (2023). Collection method: clinical testing. Allele origin: unknown.
Comment: NM_000426.3(LAMA2):c.8054G>A(W2685*) is expected to be pathogenic in the context of muscular dystrophy, LAMA2-related. This variant is predicted to lead to an abnormal or absent protein product due to the creation of a premature termination codon in LAMA2, a gene where loss-of-function variants are known to be pathogenic. Please note: this variant was assessed in the context of healthy population screening.